The following is an entry in ClinVar:

NM_001042724.2(NECTIN2):c.1261-9C>T

Gene: NECTIN2 (nectin cell adhesion molecule 2; plus strand). Cytogenetic location: 19q13.32.
Variant type: single nucleotide variant.
Coding change: c.1261-9C>T on transcript NM_001042724.2 (MANE Select); 9 bases into the intron before coding-DNA position 1261, C replaced by T.
Molecular consequence: intron variant.
Genome position (GRCh38, 1-based): chr19:44,886,124, C>T. VCF-style: chr19-44886124-C-T. GRCh37 (hg19) VCF-style: chr19-45389381-C-T.
Identifiers: ClinVar variation 3052913 (VCV003052913.2), dbSNP rs191568940, ClinGen allele CA9505452.

ClinVar aggregate classification (germline): Benign (0 of 4 stars; one submission).

Conditions:
NECTIN2-related disorder. Also called: NECTIN2-related condition.

Allele frequency attached by ClinVar (database versions not stated): gnomAD exomes 0.00037; ExAC 0.00114; 1000 Genomes Project 0.00240; 1000 Genomes Project 30x 0.00265; gnomAD 0.00352; ESP Exome Variant Server 0.00374; TOPMed 0.00392.
gnomAD v4.1: 1,102 of 1,609,092 alleles (0.068%); highest among the groups gnomAD compares: African/African-American, 1.2%; 5 homozygotes.

Submission:

PreventionGenetics, part of Exact Sciences
Classification: Benign for NECTIN2-related condition. Last evaluated: 2019-08-15. Review status: no assertion criteria provided. Collection method: clinical testing. Allele origin: germline.
Comment: This variant is classified as benign based on ACMG/AMP sequence variant interpretation guidelines (Richards et al. 2015 PMID: 25741868, with internal and published modifications).